The following is an entry in ClinVar:

ClinVar aggregate classification (germline): Uncertain significance (1 of 4 stars; one submission).

Conditions:
Charcot-Marie-Tooth disease type 4. Also called: Charcot-Marie-Tooth disease, type IV; Charcot-Marie-Tooth, Type 4. Identifiers: Orphanet 64749, MedGen C4082197, MONDO:0018995.

Submission:

Labcorp Genetics (formerly Invitae), Labcorp
Classification: Uncertain significance for Charcot-Marie-Tooth disease type 4. Last evaluated: 2020-07-08. Review status: criteria provided, single submitter. Criteria: Invitae Variant Classification Sherloc (09022015). Collection method: clinical testing. Allele origin: germline.
Comment: This variant results in a copy number gain of the genomic region encompassing the full coding sequence of the NDRG1 gene. The boundaries of this event are unknown as they extend beyond the assayed region for this gene and therefore may encompass additional genes. As the precise location of this event is unknown, it may be in tandem or it may be located elsewhere in the genome. This variant has not been reported in the literature in individuals with NDRG1-related conditions. In summary, the available evidence is currently insufficient to determine the role of this variant in disease. Therefore, it has been classified as a Variant of Uncertain Significance.

NC_000008.10:g.(?_134251111)_(134296564_?)dup

Gene: NDRG1 (N-myc downstream regulated 1; minus strand). Cytogenetic location: 8q24.22.
Variant type: Duplication.
Identifiers: ClinVar variation 1003957 (VCV001003957.2).